The following is an entry in ClinVar:

NM_000827.4(GRIA1):c.994G>A (p.Gly332Ser)

Gene: GRIA1 (glutamate ionotropic receptor AMPA type subunit 1; plus strand). Cytogenetic location: 5q33.2.
Variant type: single nucleotide variant.
Coding change: c.994G>A on transcript NM_000827.4 (MANE Select); coding-DNA position 994, G replaced by A.
Protein change: p.Gly332Ser; replaces glycine 332 with serine.
Molecular consequence: missense variant. On other transcripts: non-coding transcript variant (2), intron variant (1).
Genome position (GRCh38, 1-based): chr5:153,677,126, G>A. VCF-style: chr5-153677126-G-A. GRCh37 (hg19) VCF-style: chr5-153056686-G-A.
Other names: c.994G>A, p.Gly332Ser (NM_001114183.2); c.754G>A, p.Gly252Ser (NM_001258019.2); c.709G>A, p.Gly237Ser (NM_001258020.2); c.1024G>A, p.Gly342Ser (NM_001258021.2, NM_001258022.2); c.787G>A, p.Gly263Ser (NM_001258023.1, NM_001364167.2); c.1021G>A, p.Gly341Ser (NM_001364166.2); c.861+2465G>A (NM_001364165.2); short protein forms G237S, G252S, G263S, G332S, G341S, G342S.
Identifiers: ClinVar variation 2504818 (VCV002504818.1), dbSNP rs2480254487, ClinGen allele CA361902652.

ClinVar aggregate classification (germline): Uncertain significance (1 of 4 stars; one submission).

Submission:

GeneDx
Classification: Uncertain significance. Last evaluated: 2022-12-08. Review status: criteria provided, single submitter. Criteria: GeneDx Variant Classification Process June 2021. Collection method: clinical testing. Allele origin: germline. Affected: yes.
Comment: Not observed at significant frequency in large population cohorts (gnomAD); In silico analysis supports that this missense variant does not alter protein structure/function; Has not been previously published as pathogenic or benign to our knowledge